The following is an entry in ClinVar:

ClinVar aggregate classification (germline): Uncertain significance (1 of 4 stars; one submission).

Conditions:
Cardiovascular phenotype. Identifiers: MedGen CN230736.

Submission:

Ambry Genetics
Classification: Uncertain significance for Cardiovascular phenotype. Last evaluated: 2026-03-12. Review status: criteria provided, single submitter. Criteria: Ambry Variant Classification Scheme 2023. Collection method: clinical testing. Allele origin: germline.
Comment: The p.H458Q variant (also known as c.1374C>A), located in coding exon 12 of the PRDM5 gene, results from a C to A substitution at nucleotide position 1374. The histidine at codon 458 is replaced by glutamine, an amino acid with highly similar properties. This amino acid position is conserved. In addition, this alteration is predicted to be tolerated by in silico analysis. Based on the available evidence, the clinical significance of this variant remains unclear.

NM_018699.4(PRDM5):c.1374C>A (p.His458Gln)

Gene: PRDM5 (PR/SET domain 5; minus strand). Cytogenetic location: 4q27.
Variant type: single nucleotide variant.
Coding change: c.1374C>A on transcript NM_018699.4 (MANE Select); coding-DNA position 1374, C replaced by A.
Protein change: p.His458Gln; replaces histidine 458 with glutamine.
Molecular consequence: missense variant.
Genome position (GRCh38, 1-based): chr4:120,781,212, G>T on the plus strand (C>A on the coding strand, the complement: PRDM5 is on the minus strand). VCF-style: chr4-120781212-G-T. GRCh37 (hg19) VCF-style: chr4-121702367-G-T.
Other names: c.1281C>A, p.His427Gln (NM_001300823.2, NM_001300824.2, NM_001379106.1); c.1407C>A, p.His469Gln (NM_001379104.1); short protein forms H427Q, H469Q, H458Q.
Identifiers: ClinVar variation 4826533 (VCV004826533.1).